The following is an entry in ClinVar:

ClinVar aggregate classification (germline): Likely benign (1 of 4 stars; one submission).

Submission:

CeGaT Center for Human Genetics Tuebingen
Classification: Likely benign. Last evaluated: 2024-03-01. Review status: criteria provided, single submitter. Criteria: CeGaT Center For Human Genetics Tuebingen Variant Classification Criteria Version 2. Collection method: clinical testing. Allele origin: germline. Affected: yes. Observed: 1 variant allele.
Comment: BPTF: PM2:Supporting, BP4, BP7

NM_182641.4(BPTF):c.3798C>G (p.Ala1266=)

Gene: BPTF (bromodomain PHD finger transcription factor; plus strand). Cytogenetic location: 17q24.2.
Variant type: single nucleotide variant.
Coding change: c.3798C>G on transcript NM_182641.4 (MANE Select); coding-DNA position 3798, C replaced by G.
Protein change: p.Ala1266=; no amino-acid change (alanine 1266 retained).
Molecular consequence: synonymous variant.
Genome position (GRCh38, 1-based): chr17:67,911,682, C>G. VCF-style: chr17-67911682-C-G. GRCh37 (hg19) VCF-style: chr17-65907798-C-G.
Other names: c.4176C>G, p.Ala1392= (NM_004459.7).
Identifiers: ClinVar variation 3234626 (VCV003234626.20), dbSNP rs1474686912, ClinGen allele CA501695514.
Genomic context (GRCh38, chr17:67,911,682, plus strand): 5'-TTCTTCTTCCAAGAGTGCTTTACATTCATCAGTGCCTAAAAGTACCAATGACAGAGATGC[C>G]ACACCTCTGTCAAGAGCAATGGACTTTGAAGGAAAACTGGGATGTGACTCTGAATCTAAT-3'
Protein context (NP_872579.2, residues 1256-1276): SVPKSTNDRD[Ala1266=]TPLSRAMDFE